The following is an entry in ClinVar:

NM_002382.5(MAX):c.364C>G (p.Leu122Val)

Gene: MAX (MYC associated transcriptional regulator X; minus strand). Cytogenetic location: 14q23.3.
Variant type: single nucleotide variant.
Coding change: c.364C>G on transcript NM_002382.5 (MANE Select); coding-DNA position 364, C replaced by G.
Protein change: p.Leu122Val; replaces leucine 122 with valine.
Molecular consequence: missense variant. On other transcripts: 3 prime UTR variant (12), non-coding transcript variant (7), intron variant (2).
Genome position (GRCh38, 1-based): chr14:65,076,595, G>C on the plus strand (C>G on the coding strand, the complement: MAX is on the minus strand). VCF-style: chr14-65076595-G-C. GRCh37 (hg19) VCF-style: chr14-65543313-G-C.
Other names: c.175C>G, p.Leu59Val (NM_001320415.2, NM_001407105.1, NM_001407106.1 and 1 more transcripts); c.364C>G, p.Leu122Val (NM_001407094.1); c.337C>G, p.Leu113Val (NM_001407095.1, NM_145112.3); c.*137C>G (NM_001407096.1, NM_001407099.1, NM_001407102.1 and 2 more transcripts); c.*153C>G (NM_001407097.1, NM_001407100.1, NM_001407101.1 and 4 more transcripts); c.256C>G, p.Leu86Val (NM_001407098.1); c.163C>G, p.Leu55Val (NM_001407111.1, NM_001407112.1); c.144+17113C>G (NM_001271069.2); and 1 more; short protein forms L113V, L122V, L86V, L55V, L59V.
Identifiers: ClinVar variation 5023933 (VCV005023933.1).

ClinVar aggregate classification (germline): Uncertain significance (1 of 4 stars; one submission).

Conditions:
Hereditary cancer-predisposing syndrome. Also called: Neoplastic Syndromes, Hereditary; Tumor predisposition; Hereditary neoplastic syndrome; Hereditary Cancer Syndrome. Identifiers: Orphanet 140162, MedGen C0027672, MeSH D009386, MONDO:0015356.

Submission:

Ambry Genetics
Classification: Uncertain significance for Hereditary cancer-predisposing syndrome. Last evaluated: 2026-07-07. Review status: criteria provided, single submitter. Criteria: Ambry Variant Classification Scheme 2023. Collection method: clinical testing. Allele origin: germline.
Comment: The p.L122V variant (also known as c.364C>G), located in coding exon 5 of the MAX gene, results from a C to G substitution at nucleotide position 364. The leucine at codon 122 is replaced by valine, an amino acid with highly similar properties. This amino acid position is conserved. In addition, the in silico prediction for this alteration is inconclusive. Based on the available evidence, the clinical significance of this variant remains unclear.